The following is an entry in ClinVar:

ClinVar aggregate classification (germline): Uncertain significance. Review status: criteria provided, multiple submitters, no conflicts (2 of 4 stars). 3 submissions from 3 submitters: Uncertain significance (3). Last evaluated 2023-08-09.

Allele frequency attached by ClinVar (database versions not stated): gnomAD exomes 0.00006 and 0.00010; TOPMed 0.00006; gnomAD 0.00007 and 0.00008; ExAC 0.00008; ESP Exome Variant Server 0.00023.
gnomAD v4.1: 99 of 1,603,696 alleles (0.0062%); highest among the groups gnomAD compares: African/African-American, 0.0013%; no homozygotes.

Submissions (3):

Blueprint Genetics
Classification: Uncertain significance. Last evaluated: 2023-08-09. Review status: criteria provided, single submitter. Criteria: ACMG Guidelines, 2015. Collection method: clinical testing. Allele origin: germline.

Labcorp Genetics (formerly Invitae), Labcorp
Classification: Uncertain significance. Last evaluated: 2022-07-19. Review status: criteria provided, single submitter. Criteria: Invitae Variant Classification Sherloc (09022015). Collection method: clinical testing. Allele origin: germline.
Comment: This sequence change replaces glutamic acid, which is acidic and polar, with glycine, which is neutral and non-polar, at codon 176 of the RAB28 protein (p.Glu176Gly). This variant is present in population databases (rs374687838, gnomAD 0.2%). This variant has not been reported in the literature in individuals affected with RAB28-related conditions. ClinVar contains an entry for this variant (Variation ID: 854790). Algorithms developed to predict the effect of missense changes on protein structure and function are either unavailable or do not agree on the potential impact of this missense change (SIFT: "Deleterious"; PolyPhen-2: "Benign"; Align-GVGD: "Class C65"). In summary, the available evidence is currently insufficient to determine the role of this variant in disease. Therefore, it has been classified as a Variant of Uncertain Significance.

Ambry Genetics
Classification: Uncertain significance. Last evaluated: 2022-05-25. Review status: criteria provided, single submitter. Criteria: Ambry Variant Classification Scheme 2023. Collection method: clinical testing. Allele origin: germline.

NM_001017979.3(RAB28):c.527A>G (p.Glu176Gly)

Gene: RAB28 (RAB28, member RAS oncogene family; minus strand). Cytogenetic location: 4p15.33.
Variant type: single nucleotide variant.
Coding change: c.527A>G on transcript NM_001017979.3 (MANE Select); coding-DNA position 527, A replaced by G.
Protein change: p.Glu176Gly; replaces glutamic acid 176 with glycine.
Molecular consequence: missense variant.
Genome position (GRCh38, 1-based): chr4:13,376,591, T>C on the plus strand (A>G on the coding strand, the complement: RAB28 is on the minus strand). VCF-style: chr4-13376591-T-C. GRCh37 (hg19) VCF-style: chr4-13378215-T-C.
Other names: c.527A>G (NM_001017979.2); c.527A>G, p.Glu176Gly (NM_001159601.2, NM_004249.4); short protein forms E176G.
Identifiers: ClinVar variation 854790 (VCV000854790.9), dbSNP rs374687838, ClinGen allele CA2860043.